The following is an entry in ClinVar:

NM_019066.5(MAGEL2):c.848_907dup (p.Pro302_Ala303insGlyProGlyValLeuMetIleHisProProGlyAlaArgAlaProMetThrGlnProPro)

Gene: MAGEL2 (MAGE family member L2; minus strand). Cytogenetic location: 15q11.2.
Variant type: Duplication.
Coding change: c.848_907dup on transcript NM_019066.5 (MANE Select); coding-DNA positions 848 to 907, 60 bases duplicated.
Protein change: p.Pro302_Ala303insGlyProGlyValLeuMetIleHisProProGlyAlaArgAlaProMetThrGlnProPro.
Molecular consequence: inframe insertion.
Genome position (GRCh38, 1-based): chr15:23,646,836-23,646,895, 60 bases duplicated. GRCh37 (hg19): chr15:23,891,992-23,892,051.
Identifiers: ClinVar variation 3611558 (VCV003611558.2).

ClinVar aggregate classification (germline): Uncertain significance (1 of 4 stars; one submission).

Submission:

Labcorp Genetics (formerly Invitae), Labcorp
Classification: Uncertain significance. Last evaluated: 2024-10-07. Review status: criteria provided, single submitter. Criteria: Invitae Variant Classification Sherloc (09022015). Collection method: clinical testing. Allele origin: germline.
Comment: This variant, c.848_907dup, results in the insertion of 20 amino acid(s) of the MAGEL2 protein (p.Gly283_Pro302dup), but otherwise preserves the integrity of the reading frame. This variant is not present in population databases (gnomAD no frequency). This variant has not been reported in the literature in individuals affected with MAGEL2-related conditions. In summary, the available evidence is currently insufficient to determine the role of this variant in disease. Therefore, it has been classified as a Variant of Uncertain Significance.